The following is an entry in ClinVar:

NM_001696.4(ATP6V1E1):c.652G>A (p.Ala218Thr)

Gene: ATP6V1E1 (ATPase H+ transporting V1 subunit E1; minus strand). Cytogenetic location: 22q11.21.
Variant type: single nucleotide variant.
Coding change: c.652G>A on transcript NM_001696.4 (MANE Select); coding-DNA position 652, G replaced by A.
Protein change: p.Ala218Thr; replaces alanine 218 with threonine.
Molecular consequence: missense variant.
Genome position (GRCh38, 1-based): chr22:17,592,703, C>T on the plus strand (G>A on the coding strand, the complement: ATP6V1E1 is on the minus strand). VCF-style: chr22-17592703-C-T. GRCh37 (hg19) VCF-style: chr22-18075469-C-T.
Other names: c.586G>A, p.Ala196Thr (NM_001039366.1); c.562G>A, p.Ala188Thr (NM_001039367.1); short protein forms A196T, A188T, A218T.
Identifiers: ClinVar variation 1977278 (VCV001977278.2), dbSNP rs758154929, ClinGen allele CA10090009.
Genomic context (GRCh38, chr22:17,592,703, plus strand): 5'-GAGCTGACGACGAGCTCCACCTCCTGAAGGCTTAGTCCAAAAACTTCCTGTTGGCATTTG[C>T]ACCAAACAAGGCTCCCCGGACTTCTGGCATCATCTGTGGAGAGAAAGTGTAATAAATACG-3'
Protein context (NP_001687.1, residues 208-226): MPEVRGALFG[Ala218Thr]NANRKFLD

ClinVar aggregate classification (germline): Uncertain significance (1 of 4 stars; one submission).

Allele frequency attached by ClinVar (database versions not stated): gnomAD exomes below 0.00001; ExAC 0.00001.
gnomAD v4.1: 1 of 1,613,976 alleles (0.000062%); highest among the groups gnomAD compares: Admixed American, 0.0017%; no homozygotes.

Submission:

Labcorp Genetics (formerly Invitae), Labcorp
Classification: Uncertain significance. Last evaluated: 2022-03-22. Review status: criteria provided, single submitter. Criteria: Invitae Variant Classification Sherloc (09022015). Collection method: clinical testing. Allele origin: germline.
Comment: This sequence change replaces alanine, which is neutral and non-polar, with threonine, which is neutral and polar, at codon 218 of the ATP6V1E1 protein (p.Ala218Thr). This variant is present in population databases (rs758154929, gnomAD 0.003%). This variant has not been reported in the literature in individuals affected with ATP6V1E1-related conditions. Algorithms developed to predict the effect of missense changes on protein structure and function (SIFT, PolyPhen-2, Align-GVGD) all suggest that this variant is likely to be tolerated. In summary, the available evidence is currently insufficient to determine the role of this variant in disease. Therefore, it has been classified as a Variant of Uncertain Significance.